The following is an entry in ClinVar:

NM_003331.5(TYK2):c.1794C>T (p.Gly598=)

Gene: TYK2 (tyrosine kinase 2; minus strand). Cytogenetic location: 19p13.2.
Variant type: single nucleotide variant.
Coding change: c.1794C>T on transcript NM_003331.5 (MANE Select); coding-DNA position 1794, C replaced by T.
Protein change: p.Gly598=; no amino-acid change (glycine 598 retained).
Molecular consequence: synonymous variant. On other transcripts: intron variant (1).
Genome position (GRCh38, 1-based): chr19:10,361,935, G>A on the plus strand (C>T on the coding strand, the complement: TYK2 is on the minus strand). VCF-style: chr19-10361935-G-A. GRCh37 (hg19) VCF-style: chr19-10472611-G-A.
Other names: c.1794C>T, p.Gly598= (NM_001406461.1, NM_001385197.1, NM_001385198.1 and 4 more transcripts); c.1773+143C>T (NM_001385199.1); c.1704C>T, p.Gly568= (NM_001385205.1); c.1668C>T, p.Gly556= (NM_001385206.1); c.1776C>T, p.Gly592= (NM_001385207.1); c.1596C>T, p.Gly532= (NM_001385201.1).
Identifiers: ClinVar variation 4281365 (VCV004281365.7).

ClinVar aggregate classification (germline): Likely benign (1 of 4 stars; one submission).

gnomAD v4.1: 4 of 1,614,062 alleles (0.00025%); highest among the groups gnomAD compares: Non-Finnish European, 0.00034%; no homozygotes.

Submission:

CeGaT Center for Human Genetics Tuebingen
Classification: Likely benign. Last evaluated: 2025-09-01. Review status: criteria provided, single submitter. Criteria: CeGaT Center For Human Genetics Tuebingen Variant Classification Criteria Version 2. Collection method: clinical testing. Allele origin: germline. Affected: yes. Observed: 1 variant allele.
Comment: TYK2: BP4, BP7